The following is an entry in ClinVar:

ClinVar aggregate classification (germline): Uncertain significance (1 of 4 stars; one submission).

Conditions:
GREB1L-related disorder. Also called: GREB1L-related condition.

Submission:

PreventionGenetics, part of Exact Sciences
Classification: Uncertain significance for GREB1L-related condition. Last evaluated: 2026-09-03. Review status: criteria provided, single submitter. Criteria: ACMG Guidelines, 2015. Collection method: clinical testing. Allele origin: germline.
Comment: The GREB1L c.262G>A variant is predicted to result in the amino acid substitution p.Asp88Asn. To our knowledge, this variant has not been reported in the literature or in a large population database (gnomAD), indicating this variant is rare. At this time, the clinical significance of this variant is uncertain due to the absence of conclusive functional and genetic evidence.

NM_001142966.3(GREB1L):c.262G>A (p.Asp88Asn)

Genes: GREB1L (GREB1 like retinoic acid receptor coactivator; plus strand), GREB1L-AS1 (GREB1L antisense RNA 1; minus strand). Cytogenetic location: 18q11.1.
Variant type: single nucleotide variant.
Coding change: c.262G>A on transcript NM_001142966.3 (MANE Select); coding-DNA position 262, G replaced by A.
Protein change: p.Asp88Asn; replaces aspartic acid 88 with asparagine.
Molecular consequence: missense variant.
Genome position (GRCh38, 1-based): chr18:21,384,310, G>A. VCF-style: chr18-21384310-G-A. GRCh37 (hg19) VCF-style: chr18-18964271-G-A.
Other names: c.262G>A, p.Asp88Asn (NM_001410867.1, NM_001410868.1); short protein forms D88N.
Identifiers: ClinVar variation 4992274 (VCV004992274.1).